The following is an entry in ClinVar:

ClinVar aggregate classification (germline): Uncertain significance. Review status: criteria provided, multiple submitters, no conflicts (2 of 4 stars). 3 submissions from 3 submitters: Uncertain significance (3). Last evaluated 2026-06-29.

Allele frequency attached by ClinVar (database versions not stated): ExAC 0.00004; gnomAD 0.00005 and 0.00004; gnomAD exomes 0.00015 and 0.00004; TOPMed 0.00005.
gnomAD v4.1: 225 of 1,611,376 alleles (0.014%); highest among the groups gnomAD compares: Non-Finnish European, 0.019%; no homozygotes.

Submissions (3):

Women's Health and Genetics/Laboratory Corporation of America, LabCorp
Classification: Uncertain significance. Last evaluated: 2026-06-29. Review status: criteria provided, single submitter. Criteria: LabCorp Variant Classification Summary - May 2015. Collection method: clinical testing. Allele origin: germline.

Labcorp Genetics (formerly Invitae), Labcorp
Classification: Uncertain significance. Last evaluated: 2025-08-14. Review status: criteria provided, single submitter. Criteria: Invitae Variant Classification Sherloc (09022015). Collection method: clinical testing. Allele origin: germline.
Comment: This sequence change replaces glutamic acid, which is acidic and polar, with glycine, which is neutral and non-polar, at codon 111 of the OTULIN protein (p.Glu111Gly). This variant is present in population databases (rs752485795, gnomAD 0.005%). This variant has not been reported in the literature in individuals affected with OTULIN-related conditions. ClinVar contains an entry for this variant (Variation ID: 1465848). Invitae Evidence Modeling of protein sequence and biophysical properties (such as structural, functional, and spatial information, amino acid conservation, physicochemical variation, residue mobility, and thermodynamic stability) indicates that this missense variant is not expected to disrupt OTULIN protein function with a negative predictive value of 80%. In summary, the available evidence is currently insufficient to determine the role of this variant in disease. Therefore, it has been classified as a Variant of Uncertain Significance.

Ambry Genetics
Classification: Uncertain significance. Last evaluated: 2024-12-06. Review status: criteria provided, single submitter. Criteria: Ambry Variant Classification Scheme 2023. Collection method: clinical testing. Allele origin: germline.

NM_138348.6(OTULIN):c.332A>G (p.Glu111Gly)

Gene: OTULIN (OTU deubiquitinase with linear linkage specificity; plus strand). Cytogenetic location: 5p15.2.
Variant type: single nucleotide variant.
Coding change: c.332A>G on transcript NM_138348.6 (MANE Select); coding-DNA position 332, A replaced by G.
Protein change: p.Glu111Gly; replaces glutamic acid 111 with glycine.
Molecular consequence: missense variant.
Genome position (GRCh38, 1-based): chr5:14,681,471, A>G. VCF-style: chr5-14681471-A-G. GRCh37 (hg19) VCF-style: chr5-14681580-A-G.
Other names: c.332A>G (NM_138348.4); short protein forms E111G.
Identifiers: ClinVar variation 1465848 (VCV001465848.8), dbSNP rs752485795, ClinGen allele CA3208587.